The following is an entry in ClinVar:

NM_001128205.2(SULF1):c.458C>A (p.Pro153His)

Gene: SULF1 (sulfatase 1; plus strand). Cytogenetic location: 8q13.2.
Variant type: single nucleotide variant.
Coding change: c.458C>A on transcript NM_001128205.2 (MANE Select); coding-DNA position 458, C replaced by A.
Protein change: p.Pro153His; replaces proline 153 with histidine.
Molecular consequence: missense variant. On other transcripts: non-coding transcript variant (2).
Genome position (GRCh38, 1-based): chr8:69,586,402, C>A. VCF-style: chr8-69586402-C-A. GRCh37 (hg19) VCF-style: chr8-70498637-C-A.
Other names: c.458C>A (NM_001128205.1); c.458C>A, p.Pro153His (NM_001128204.2, NM_001128206.2, NM_001412828.1 and 19 more transcripts); c.272C>A, p.Pro91His (NM_001412841.1, NM_001412842.1); c.-69C>A (NM_001412844.1, NM_001412845.1); c.-1244C>A (NM_001412846.1); short protein forms P153H, P91H.
Identifiers: ClinVar variation 1948742 (VCV001948742.6), dbSNP rs1455316642, ClinGen allele CA371225167.

ClinVar aggregate classification (germline): Uncertain significance. Review status: criteria provided, multiple submitters, no conflicts (2 of 4 stars). 2 submissions from 2 submitters: Uncertain significance (2). Last evaluated 2025-10-01.

Allele frequency attached by ClinVar (database versions not stated): TOPMed 0.00001.
gnomAD v4.1: 10 of 1,609,278 alleles (0.00062%); highest among the groups gnomAD compares: African/African-American, 0.0013%; no homozygotes.

Submissions (2):

Labcorp Genetics (formerly Invitae), Labcorp
Classification: Uncertain significance. Last evaluated: 2025-10-01. Review status: criteria provided, single submitter. Criteria: Invitae Variant Classification Sherloc (09022015). Collection method: clinical testing. Allele origin: germline.
Comment: This sequence change replaces proline, which is neutral and non-polar, with histidine, which is basic and polar, at codon 153 of the SULF1 protein (p.Pro153His). This variant is present in population databases (no rsID available, gnomAD 0.007%). This variant has not been reported in the literature in individuals affected with SULF1-related conditions. ClinVar contains an entry for this variant (Variation ID: 1948742). An algorithm developed to predict the effect of missense changes on protein structure and function (PolyPhen-2) suggests that this variant is likely to be disruptive. In summary, the available evidence is currently insufficient to determine the role of this variant in disease. Therefore, it has been classified as a Variant of Uncertain Significance.

Ambry Genetics
Classification: Uncertain significance. Last evaluated: 2025-09-28. Review status: criteria provided, single submitter. Criteria: Ambry Variant Classification Scheme 2023. Collection method: clinical testing. Allele origin: germline.